The following is an entry in ClinVar:

NM_001283009.2(RTEL1):c.3075C>T (p.Gly1025=)

Genes: RTEL1 (regulator of telomere elongation helicase 1; plus strand), RTEL1-TNFRSF6B (RTEL1-TNFRSF6B readthrough (NMD candidate); plus strand). Cytogenetic location: 20q13.33.
Variant type: single nucleotide variant.
Coding change: c.3075C>T on transcript NM_001283009.2 (MANE Select); coding-DNA position 3075, C replaced by T.
Protein change: p.Gly1025=; no amino-acid change (glycine 1025 retained).
Molecular consequence: synonymous variant. On other transcripts: non-coding transcript variant (1).
Genome position (GRCh38, 1-based): chr20:63,694,454, C>T. VCF-style: chr20-63694454-C-T. GRCh37 (hg19) VCF-style: chr20-62325807-C-T.
Other names: c.2406C>T, p.Gly802= (NM_001283010.1); c.3075C>T, p.Gly1025= (NM_016434.4); c.3147C>T, p.Gly1049= (NM_032957.5).
Identifiers: ClinVar variation 636919 (VCV000636919.14), dbSNP rs766455566, ClinGen allele CA9965823.

ClinVar aggregate classification (germline): Conflicting classifications of pathogenicity. Review status: criteria provided, conflicting classifications (1 of 4 stars). 7 submissions from 7 submitters: Uncertain significance (5); Likely benign (1). 1 of the submissions does not count toward it. Last evaluated 2026-01-14.

Conditions:
Dyskeratosis congenita. Identifiers: Orphanet 1775, MedGen C0265965, MONDO:0015780.
Dyskeratosis congenita, autosomal recessive 5 (DKCB5). Identifiers: MedGen C3554656, MONDO:0014076, OMIM 615190.
Pulmonary fibrosis and/or bone marrow failure, Telomere-related, 3. Also called: PULMONARY FIBROSIS AND/OR BONE MARROW FAILURE SYNDROME, TELOMERE-RELATED, 3. Identifiers: Orphanet 2032, MedGen C4225346, MONDO:0014613, OMIM 616373.
RTEL1-related disorder. Also called: RTEL1-related condition; RTEL1-related disorders.

Allele frequency attached by ClinVar (database versions not stated): ExAC 0.00002; gnomAD 0.00003 and 0.00004; TOPMed 0.00003.
gnomAD v4.1: 26 of 1,606,180 alleles (0.0016%); highest among the groups gnomAD compares: Non-Finnish European, 0.0022%; no homozygotes.

Submissions (7):

Labcorp Genetics (formerly Invitae), Labcorp
Classification: Uncertain significance for Dyskeratosis congenita, autosomal recessive 5; Pulmonary fibrosis and/or bone marrow failure, Telomere-related, 3. Last evaluated: 2026-01-14. Review status: criteria provided, single submitter. Criteria: Invitae Variant Classification Sherloc (09022015). Collection method: clinical testing. Allele origin: germline.
Comment: This sequence change affects codon 1025 of the RTEL1 mRNA. It is a 'silent' change, meaning that it does not change the encoded amino acid sequence of the RTEL1 protein. This variant is present in population databases (rs766455566, gnomAD 0.004%). This variant has not been reported in the literature in individuals affected with RTEL1-related conditions. ClinVar contains an entry for this variant (Variation ID: 636919). Algorithms developed to predict the effect of sequence changes on RNA splicing suggest that this variant may disrupt the consensus splice site. In summary, the available evidence is currently insufficient to determine the role of this variant in disease. Therefore, it has been classified as a Variant of Uncertain Significance.

Women's Health and Genetics/Laboratory Corporation of America, LabCorp
Classification: Likely benign. Last evaluated: 2025-02-24. Review status: criteria provided, single submitter. Criteria: LabCorp Variant Classification Summary - May 2015. Collection method: clinical testing. Allele origin: germline.

Blueprint Genetics
Classification: Uncertain significance. Last evaluated: 2024-11-21. Review status: criteria provided, single submitter. Criteria: ACMG Guidelines, 2015. Collection method: clinical testing. Allele origin: germline.

PreventionGenetics, part of Exact Sciences
Classification: Uncertain significance for RTEL1-related condition. Last evaluated: 2023-06-06. Review status: criteria provided, single submitter. Criteria: ACMG Guidelines, 2015. Collection method: clinical testing. Allele origin: germline.
Comment: The RTEL1 c.3147C>T variant is not predicted to result in an amino acid change (p.=). Available splicing prediction programs indicate that this variant may lead to a creation of a novel splice donor site within exon 31 (Alamut Visual Plus v.1.6.1). However, the use of computer prediction programs are not equivalent to functional evidence. To our knowledge, this variant has not been reported in the literature. This variant is reported in 0.0056% of alleles in individuals of European (Non-Finnish) descent in gnomAD. At this time, the clinical significance of this variant is uncertain due to the absence of conclusive functional and genetic evidence.

GeneDx
Classification: Uncertain significance. Last evaluated: 2023-03-07. Review status: criteria provided, single submitter. Criteria: GeneDx Variant Classification Process June 2021. Collection method: clinical testing. Allele origin: germline. Affected: yes.
Comment: In silico analysis supports a deleterious effect on splicing; Has not been previously published as pathogenic or benign to our knowledge

Sema4
Classification: Uncertain significance for Dyskeratosis congenita. Last evaluated: 2021-12-10. Review status: criteria provided, single submitter. Criteria: Sema4 Curation Guidelines. Collection method: curation. Allele origin: germline.
Comment: The RTEL1 c.3075C>T (p.G1025=) variant has not been reported in the literature to our knowledge. This variant is also referenced as c.3147C>T (p.G1049=) on NM_032957.4. It was observed in 7/124918 chromosomes of the European (non-Finnish) subpopulation in the large and broad cohorts of the Genome Aggregation Database (PMID: 32461654), and has been reported in ClinVar (Variation ID 636919). In silico tools suggest the variant may create a cryptic donor splice site, though these predictions have not been confirmed by functional studies. The evidence is insufficient to meet ACMG/AMP criteria for classifying the variant as benign or pathogenic. Thus, the clinical significance of this variant is currently uncertain.

Natera, Inc.
Classification: Uncertain significance for Dyskeratosis congenita. Last evaluated: 2020-09-16. Review status: no assertion criteria provided. Collection method: clinical testing. Allele origin: germline. Not counted in ClinVar's aggregate classification.